The following is an entry in ClinVar:

NM_138694.4(PKHD1):c.9241A>G (p.Ile3081Val)

Gene: PKHD1 (PKHD1 ciliary IPT domain containing fibrocystin/polyductin; minus strand). Cytogenetic location: 6p12.3.
Variant type: single nucleotide variant.
Coding change: c.9241A>G on transcript NM_138694.4 (MANE Select); coding-DNA position 9241, A replaced by G.
Protein change: p.Ile3081Val; replaces isoleucine 3081 with valine.
Molecular consequence: missense variant.
Genome position (GRCh38, 1-based): chr6:51,748,375, T>C on the plus strand (A>G on the coding strand, the complement: PKHD1 is on the minus strand). VCF-style: chr6-51748375-T-C. GRCh37 (hg19) VCF-style: chr6-51613173-T-C.
Other names: p.Ile3081Val; c.9241A>G, p.Ile3081Val (NM_170724.3); short protein forms I3081V.
Identifiers: ClinVar variation 501331 (VCV000501331.24), dbSNP rs142146981, ClinGen allele CA3851426.

ClinVar aggregate classification (germline): Uncertain significance. Review status: criteria provided, multiple submitters, no conflicts (2 of 4 stars). 11 submissions from 11 submitters: Uncertain significance (9). 2 of the submissions do not count toward it. Last evaluated 2024-11-22.

Conditions:
Polycystic kidney disease 4 (PKD4). Also called: PKD3; POLYCYSTIC KIDNEY DISEASE 4 WITH OR WITHOUT POLYCYSTIC LIVER DISEASE; Autosomal Recessive Polycystic Kidney Disease – PKHD1; POLYCYSTIC KIDNEY AND HEPATIC DISEASE 1; POLYCYSTIC KIDNEY DISEASE, INFANTILE, TYPE I. Identifiers: MedGen C4540575, MONDO:0033004, OMIM 263200.
Autosomal recessive polycystic kidney disease (ARPKD). Also called: AR polycystic kidney disease. Identifiers: Orphanet 731, Orphanet 8378, MedGen C0085548, MeSH D017044, MONDO:0009889.

Allele frequency attached by ClinVar (database versions not stated): ExAC 0.00007; ESP Exome Variant Server 0.00008; gnomAD exomes 0.00014 and 0.00027; gnomAD 0.00013; TOPMed 0.00013.
gnomAD v4.1: 405 of 1,613,918 alleles (0.025%); highest among the groups gnomAD compares: Middle Eastern, 0.049%; 2 homozygotes.

Submissions (11):

Blueprint Genetics
Classification: Uncertain significance. Last evaluated: 2024-11-22. Review status: criteria provided, single submitter. Criteria: ACMG Guidelines, 2015. Collection method: clinical testing. Allele origin: germline.

Fulgent Genetics
Classification: Uncertain significance for Polycystic kidney disease 4. Last evaluated: 2024-02-27. Review status: criteria provided, single submitter. Criteria: ACMG Guidelines, 2015. Collection method: clinical testing. Allele origin: germline.

Mayo Clinic Laboratories, Mayo Clinic
Classification: Uncertain significance. Last evaluated: 2023-03-06. Review status: criteria provided, single submitter. Criteria: ACMG Guidelines, 2015. Collection method: clinical testing. Allele origin: germline. Observed: 2 variant alleles.
Comment: PM2

Labcorp Genetics (formerly Invitae), Labcorp
Classification: Uncertain significance for Autosomal recessive polycystic kidney disease. Last evaluated: 2022-07-19. Review status: criteria provided, single submitter. Criteria: Invitae Variant Classification Sherloc (09022015). Collection method: clinical testing. Allele origin: germline.
Comment: This sequence change replaces isoleucine, which is neutral and non-polar, with valine, which is neutral and non-polar, at codon 3081 of the PKHD1 protein (p.Ile3081Val). This variant is present in population databases (rs142146981, gnomAD 0.04%). This missense change has been observed in individual(s) with autosomal recessive polycystic kidney disease (PMID: 12506140). ClinVar contains an entry for this variant (Variation ID: 501331). Advanced modeling of protein sequence and biophysical properties (such as structural, functional, and spatial information, amino acid conservation, physicochemical variation, residue mobility, and thermodynamic stability) performed at Invitae indicates that this missense variant is expected to disrupt PKHD1 protein function. In summary, the available evidence is currently insufficient to determine the role of this variant in disease. Therefore, it has been classified as a Variant of Uncertain Significance.

Women's Health and Genetics/Laboratory Corporation of America, LabCorp
Classification: Uncertain significance. Last evaluated: 2022-07-13. Review status: criteria provided, single submitter. Criteria: LabCorp Variant Classification Summary - May 2015. Collection method: clinical testing. Allele origin: germline.
Comment: Variant summary: PKHD1 c.9241A>G (p.Ile3081Val) results in a conservative amino acid change located in the Right handed beta helix domain (IPR039448) of the encoded protein sequence. Four of five in-silico tools predict a damaging effect of the variant on protein function. The variant allele was found at a frequency of 0.00014 in 251108 control chromosomes (gnomAD). This frequency is not significantly higher than expected for a pathogenic variant in PKHD1 causing Polycystic Kidney And Hepatic Disease (0.00014 vs 0.0071), allowing no conclusion about variant significance. c.9241A>G has been reported in the literature in individuals affected with Polycystic Kidney And Hepatic Disease (Bergmann_2003, Nicolaou_2016). These data do not allow any conclusion about variant significance. To our knowledge, no experimental evidence demonstrating an impact on protein function has been reported. Eight ClinVar submitters (evaluation after 2014) cite the variant as uncertain significance. Based on the evidence outlined above, the variant was classified as uncertain significance.

HudsonAlpha Institute for Biotechnology
Classification: Uncertain significance for Polycystic kidney disease 4. Last evaluated: 2021-07-29. Review status: criteria provided, single submitter. Criteria: ACMG Guidelines, 2015. Collection method: research. Allele origin: maternal. Observed: 1 variant allele. Study: HudsonAlpha-AGHI-WGS.
Comment: ACMG codes:PM2, PM3, PP3

GeneDx
Classification: Uncertain significance. Last evaluated: 2019-10-11. Review status: criteria provided, single submitter. Criteria: GeneDx Variant Classification Process June 2021. Collection method: clinical testing. Allele origin: germline. Affected: yes.
Comment: In silico analysis, which includes protein predictors and evolutionary conservation, supports that this variant does not alter protein structure/function; This variant is associated with the following publications: (PMID: 26489027, 14741187, 12506140)

Eurofins Ntd Llc (ga)
Classification: Uncertain significance. Last evaluated: 2018-03-29. Review status: criteria provided, single submitter. Criteria: EGL ClinVar v180209 classification definitions. Collection method: clinical testing. Allele origin: germline. Observed: 2 variant alleles, 2 heterozygotes.

Illumina Laboratory Services, Illumina
Classification: Uncertain significance for Polycystic kidney disease 4. Last evaluated: 2017-04-27. Review status: criteria provided, single submitter. Criteria: ICSL Variant Classification Criteria 13 December 2019. Collection method: clinical testing. Allele origin: germline.
Comment: This variant was observed as part of a predisposition screen in an ostensibly healthy population. A literature search was performed for the gene, cDNA change, and amino acid change (where applicable). Publications were found based on this search. However, the evidence from the literature, in combination with allele frequency data from public databases where available, was not sufficient to rule this variant in or out of causing disease. Therefore, this variant is classified as a variant of unknown significance.

Natera, Inc.
Classification: Uncertain significance for Autosomal recessive polycystic kidney disease. Last evaluated: 2018-06-15. Review status: no assertion criteria provided. Collection method: clinical testing. Allele origin: germline. Not counted in ClinVar's aggregate classification.

Counsyl
Classification: Uncertain significance for Polycystic kidney disease 4. Last evaluated: 2017-12-28. Review status: no assertion criteria provided. Collection method: clinical testing. Allele origin: unknown. Not counted in ClinVar's aggregate classification.

Literature cited by the submitters: PubMed 12506140 (cited by 6 submitters); PubMed 14741187 (cited by Mayo Clinic Laboratories, Mayo Clinic and Women's Health and Genetics/Laboratory Corporation of America, LabCorp); PubMed 26489027 (cited by 3 submitters); PubMed 15805161 (cited by Women's Health and Genetics/Laboratory Corporation of America, LabCorp); PubMed 15108277 (cited by Women's Health and Genetics/Laboratory Corporation of America, LabCorp).